The following is an entry in ClinVar:

ClinVar aggregate classification (germline): Uncertain significance. Review status: criteria provided, multiple submitters, no conflicts (2 of 4 stars). 2 submissions from 2 submitters: Uncertain significance (2). Last evaluated 2025-11-13.

Conditions:
Inborn genetic diseases. Identifiers: MedGen C0950123, MeSH D030342.
Developmental and epileptic encephalopathy, 1 (DEE1). Also called: INFANTILE SPASM SYNDROME, X-LINKED 1; X-linked infantile spasms; West's syndrome; Tonic spasms with clustering, arrest of psychomotor development and hypsarrhythmia on EEG; X-Linked Infantile Spasm Syndrome; OHTAHARA SYNDROME, X-LINKED. Identifiers: MedGen C3463992, MONDO:0010632, OMIM 308350. Disease mechanism: loss of function.
Autosomal recessive spinocerebellar ataxia 12. Also called: SPINOCEREBELLAR ATAXIA WITH MENTAL RETARDATION AND EPILEPSY. Identifiers: Orphanet 284282, MedGen C3280452, MONDO:0013687, OMIM 614322.

Allele frequency attached by ClinVar (database versions not stated): gnomAD 0.00001; TOPMed 0.00001; ExAC 0.00002.

Submissions (2):

Ambry Genetics
Classification: Uncertain significance for Inborn genetic diseases. Last evaluated: 2025-11-13. Review status: criteria provided, single submitter. Criteria: Ambry Variant Classification Scheme 2023. Collection method: clinical testing. Allele origin: germline.

Labcorp Genetics (formerly Invitae), Labcorp
Classification: Uncertain significance for Developmental and epileptic encephalopathy, 1; Autosomal recessive spinocerebellar ataxia 12. Last evaluated: 2022-06-14. Review status: criteria provided, single submitter. Criteria: Invitae Variant Classification Sherloc (09022015). Collection method: clinical testing. Allele origin: germline.
Comment: This sequence change replaces alanine, which is neutral and non-polar, with valine, which is neutral and non-polar, at codon 91 of the WWOX protein (p.Ala91Val). This variant is present in population databases (rs772094826, gnomAD 0.007%). This variant has not been reported in the literature in individuals affected with WWOX-related conditions. Algorithms developed to predict the effect of missense changes on protein structure and function are either unavailable or do not agree on the potential impact of this missense change (SIFT: "Not Available"; PolyPhen-2: "Probably Damaging"; Align-GVGD: "Not Available"). In summary, the available evidence is currently insufficient to determine the role of this variant in disease. Therefore, it has been classified as a Variant of Uncertain Significance.

NM_016373.4(WWOX):c.272C>T (p.Ala91Val)

Gene: WWOX (WW domain containing oxidoreductase; plus strand). Cytogenetic location: 16q23.1.
Variant type: single nucleotide variant.
Coding change: c.272C>T on transcript NM_016373.4 (MANE Select); coding-DNA position 272, C replaced by T.
Protein change: p.Ala91Val; replaces alanine 91 with valine.
Molecular consequence: missense variant. On other transcripts: 5 prime UTR variant (1), non-coding transcript variant (1).
Genome position (GRCh38, 1-based): chr16:78,115,017, C>T. VCF-style: chr16-78115017-C-T. GRCh37 (hg19) VCF-style: chr16-78148914-C-T.
Other names: c.-68C>T (NM_001291997.2); c.272C>T, p.Ala91Val (NM_130791.5); c.272C>T (NM_016373.2); short protein forms A91V.
Identifiers: ClinVar variation 1981521 (VCV001981521.2), dbSNP rs772094826, ClinGen allele CA8183137.